The following is an entry in ClinVar:

NM_000152.5(GAA):c.463_464insG (p.Thr155fs)

Gene: GAA (alpha glucosidase; plus strand). Cytogenetic location: 17q25.3.
Variant type: Insertion.
Coding change: c.463_464insG on transcript NM_000152.5 (MANE Select); coding-DNA positions 463 to 464, G inserted.
Protein change: p.Thr155fs; shifts the reading frame from threonine 155.
Molecular consequence: frameshift variant.
Genome position: GRCh38 VCF-style: chr17-80105049-A-AG. GRCh37 (hg19) VCF-style: chr17-78078848-A-AG.
Other names: c.463_464insG, p.Thr155fs (NM_001079803.3, NM_001079804.3, NM_001406741.1 and 1 more transcripts); short protein forms T155fs.
Identifiers: ClinVar variation 4817592 (VCV004817592.1).
Genomic context (GRCh38, chr17:80,105,049, plus strand): 5'-AGCTACAAGCTGGAGAACCTGAGCTCCTCTGAAATGGGCTACACGGCCACCCTGACCCGT[A>AG]CCACCCCCACCTTCTTCCCCAAGGACATCCTGACCCTGCGGCTGGACGTGATGATGGAGA-3'

ClinVar aggregate classification (germline): Likely pathogenic (1 of 4 stars; one submission).

Conditions:
Glycogen storage disease, type II (IOPD). Also called: Glucosidase acid-1,4-alpha deficiency; Pompe Disease; CARDIOMEGALIA GLYCOGENICA DIFFUSA; Glycogen storage disease type 2; Acid maltase deficiency disease; Aglucosidase alfa. Identifiers: Orphanet 365, MedGen C0017921, MONDO:0009290, OMIM 232300.

Submission:

Natera, Inc.
Classification: Likely pathogenic for Glycogen storage disease type II. Last evaluated: 2025-09-19. Review status: criteria provided, single submitter. Criteria: Natera Variant Classification Schema (03/2026). Collection method: clinical testing. Allele origin: germline.
Comment: The c.463_464insG variant in GAA is a frameshift variant predicted to shift the reading frame beginning at codon 155 and leads to a stop codon 22 codons downstream. This variant is expected to result in nonsense mediated decay, truncation, or a dysfunctional protein product. This variant is rare in the general population with a frequency below the threshold expected for the associated phenotype(s). Given the available evidence, this variant is classified as Likely Pathogenic.